The following is an entry in ClinVar:

NM_001111125.3(IQSEC2):c.2182G>A (p.Gly728Ser)

Gene: IQSEC2 (IQ motif and Sec7 domain ArfGEF 2; minus strand). Cytogenetic location: Xp11.22.
Variant type: single nucleotide variant.
Coding change: c.2182G>A on transcript NM_001111125.3 (MANE Select); coding-DNA position 2182, G replaced by A.
Protein change: p.Gly728Ser; replaces glycine 728 with serine.
Molecular consequence: missense variant.
Genome position (GRCh38, 1-based): chrX:53,250,394, C>T on the plus strand (G>A on the coding strand, the complement: IQSEC2 is on the minus strand). VCF-style: chrX-53250394-C-T. GRCh37 (hg19) VCF-style: chrX-53279576-C-T.
Other names: c.1567G>A, p.Gly523Ser (NM_015075.2); c.2182G>A, p.Gly728Ser (NM_001410736.1); short protein forms G728S, G523S.
Identifiers: ClinVar variation 3002455 (VCV003002455.3), dbSNP rs782051149, ClinGen allele CA329166051.

ClinVar aggregate classification (germline): Uncertain significance (1 of 4 stars; one submission).

Conditions:
Intellectual developmental disorder, X-linked 1. Also called: Atkin Flaitz Patil Smith syndrome; Intellectual disability, X-linked 1; MENTAL RETARDATION, X-LINKED 18; MENTAL RETARDATION, X-LINKED 78. Identifiers: Orphanet 777, MedGen C2931498, MONDO:0010656, OMIM 309530.

Allele frequency attached by ClinVar (database versions not stated): TOPMed below 0.00001; gnomAD exomes 0.00001; gnomAD 0.00002; 1000 Genomes Project 30x 0.00021; 1000 Genomes Project 0.00026.
gnomAD v4.1: 10 of 1,210,234 alleles (0.00083%); highest among the groups gnomAD compares: Non-Finnish European, 0.00089%; no homozygotes.

Submission:

Labcorp Genetics (formerly Invitae), Labcorp
Classification: Uncertain significance for Intellectual developmental disorder, X-linked 1. Last evaluated: 2024-11-27. Review status: criteria provided, single submitter. Criteria: Invitae Variant Classification Sherloc (09022015). Collection method: clinical testing. Allele origin: germline.
Comment: This sequence change replaces glycine, which is neutral and non-polar, with serine, which is neutral and polar, at codon 728 of the IQSEC2 protein (p.Gly728Ser). This variant is not present in population databases (gnomAD no frequency). This variant has not been reported in the literature in individuals affected with IQSEC2-related conditions. ClinVar contains an entry for this variant (Variation ID: 3002455). Invitae Evidence Modeling of protein sequence and biophysical properties (such as structural, functional, and spatial information, amino acid conservation, physicochemical variation, residue mobility, and thermodynamic stability) indicates that this missense variant is not expected to disrupt IQSEC2 protein function with a negative predictive value of 95%. In summary, the available evidence is currently insufficient to determine the role of this variant in disease. Therefore, it has been classified as a Variant of Uncertain Significance.